The following is an entry in ClinVar:

NM_015072.5(TTLL5):c.181+4C>T

Gene: TTLL5 (tubulin tyrosine ligase like 5; plus strand). Cytogenetic location: 14q24.3.
Variant type: single nucleotide variant.
Coding change: c.181+4C>T on transcript NM_015072.5 (MANE Select); 4 bases into the intron after coding-DNA position 181, C replaced by T.
Molecular consequence: intron variant.
Genome position (GRCh38, 1-based): chr14:75,669,526, C>T. VCF-style: chr14-75669526-C-T. GRCh37 (hg19) VCF-style: chr14-76135869-C-T.
Identifiers: ClinVar variation 773723 (VCV000773723.35), dbSNP rs117639142, ClinGen allele CA7278823.

ClinVar aggregate classification (germline): Benign. Review status: criteria provided, multiple submitters, no conflicts (2 of 4 stars). 3 submissions from 3 submitters: Benign (3). Last evaluated 2026-03-01.

Allele frequency attached by ClinVar (database versions not stated): 1000 Genomes Project 0.00559; 1000 Genomes Project 30x 0.00609; gnomAD exomes 0.00878; ExAC 0.00883; gnomAD 0.00906 and 0.00939; TOPMed 0.00999; ESP Exome Variant Server 0.01076.
gnomAD v4.1: 19,348 of 1,612,104 alleles (1.2%); highest among the groups gnomAD compares: Non-Finnish European, 1.5%; 155 homozygotes.

Submissions (3):

CeGaT Center for Human Genetics Tuebingen
Classification: Benign. Last evaluated: 2026-03-01. Review status: criteria provided, single submitter. Criteria: CeGaT Center For Human Genetics Tuebingen Variant Classification Criteria Version 2. Collection method: clinical testing. Allele origin: germline. Affected: yes. Observed: 5 variant alleles.
Comment: TTLL5: BP4, BS1, BS2

Labcorp Genetics (formerly Invitae), Labcorp
Classification: Benign. Last evaluated: 2026-01-29. Review status: criteria provided, single submitter. Criteria: Invitae Variant Classification Sherloc (09022015). Collection method: clinical testing. Allele origin: germline.

Breakthrough Genomics
Classification: Benign. Review status: criteria provided, single submitter. Criteria: ACMG Guidelines, 2015. Collection method: not provided. Allele origin: germline. Inheritance: Autosomal recessive inheritance. Affected: yes.